The following is an entry in ClinVar:

NM_001205293.3(CACNA1E):c.2150A>G (p.Gln717Arg)

Gene: CACNA1E (calcium voltage-gated channel subunit alpha1 E; plus strand). Cytogenetic location: 1q25.3.
Variant type: single nucleotide variant.
Coding change: c.2150A>G on transcript NM_001205293.3 (MANE Select); coding-DNA position 2150, A replaced by G.
Protein change: p.Gln717Arg; replaces glutamine 717 with arginine.
Molecular consequence: missense variant.
Genome position (GRCh38, 1-based): chr1:181,726,072, A>G. VCF-style: chr1-181726072-A-G. GRCh37 (hg19) VCF-style: chr1-181695208-A-G.
Other names: c.2150A>G, p.Gln717Arg (NM_000721.4, NM_001205294.2); short protein forms Q717R.
Identifiers: ClinVar variation 1334349 (VCV001334349.2), dbSNP rs927493104, ClinGen allele CA33823738.

ClinVar aggregate classification (germline): Uncertain significance (1 of 4 stars; one submission).

Allele frequency attached by ClinVar (database versions not stated): TOPMed 0.00001.

Submission:

GeneDx
Classification: Uncertain significance. Last evaluated: 2022-01-13. Review status: criteria provided, single submitter. Criteria: GeneDx Variant Classification Process June 2021. Collection method: clinical testing. Allele origin: germline. Affected: yes.
Comment: Not observed at significant frequency in large population cohorts (gnomAD); In silico analysis supports that this missense variant has a deleterious effect on protein structure/function; Has not been previously published as pathogenic or benign to our knowledge